The following is an entry in ClinVar:

ClinVar aggregate classification (germline): Uncertain significance. Review status: criteria provided, multiple submitters, no conflicts (2 of 4 stars). 3 submissions from 3 submitters: Uncertain significance (3). Last evaluated 2022-06-12.

Conditions:
Aspartylglucosaminuria (AGU). Also called: GLYCOASPARAGINASE; GLYCOSYLASPARAGINASE DEFICIENCY; AGA DEFICIENCY; Aspartylglucos-aminuria; Aspartylglucos-amidase (AGA) deficiency. Identifiers: Orphanet 93, MedGen C0268225, MONDO:0008830, OMIM 208400, HP:0012068.

Allele frequency attached by ClinVar (database versions not stated): ExAC 0.00003; TOPMed 0.00003; gnomAD 0.00006; 1000 Genomes Project 30x 0.00016; 1000 Genomes Project 0.00020.
gnomAD v4.1: 17 of 1,613,336 alleles (0.0011%); highest among the groups gnomAD compares: African/African-American, 0.0067%; no homozygotes.

Submissions (3):

Labcorp Genetics (formerly Invitae), Labcorp
Classification: Uncertain significance for Aspartylglucosaminuria. Last evaluated: 2022-06-12. Review status: criteria provided, single submitter. Criteria: Invitae Variant Classification Sherloc (09022015). Collection method: clinical testing. Allele origin: germline.
Comment: This sequence change replaces arginine, which is basic and polar, with cysteine, which is neutral and slightly polar, at codon 234 of the AGA protein (p.Arg234Cys). This variant is present in population databases (rs572348048, gnomAD 0.008%). This variant has not been reported in the literature in individuals affected with AGA-related conditions. Algorithms developed to predict the effect of missense changes on protein structure and function (SIFT, PolyPhen-2, Align-GVGD) all suggest that this variant is likely to be disruptive. In summary, the available evidence is currently insufficient to determine the role of this variant in disease. Therefore, it has been classified as a Variant of Uncertain Significance.

Department of Pathology and Laboratory Medicine, Sinai Health System
Classification: Uncertain significance for aspartylglucosaminuria. Last evaluated: 2020-08-13. Review status: criteria provided, single submitter. Criteria: ACMG Guidelines, 2015. Collection method: research. Allele origin: germline.

Juno Genomics, Hangzhou Juno Genomics, Inc
Classification: Uncertain significance for Aspartylglucosaminuria. Review status: criteria provided, single submitter. Criteria: ACMG Guidelines, 2015. Collection method: clinical testing. Allele origin: germline.
Comment: Absent from controls (or at extremely low frequency if recessive) in Genome Aggregation Database.;Multiple lines of computational evidence support a deleterious effect on the gene or gene product.

NM_000027.4(AGA):c.700C>T (p.Arg234Cys)

Gene: AGA (aspartylglucosaminidase; minus strand). Cytogenetic location: 4q34.3.
Variant type: single nucleotide variant.
Coding change: c.700C>T on transcript NM_000027.4 (MANE Select); coding-DNA position 700, C replaced by T.
Protein change: p.Arg234Cys; replaces arginine 234 with cysteine.
Molecular consequence: missense variant. On other transcripts: non-coding transcript variant (1), intron variant (1).
Genome position (GRCh38, 1-based): chr4:177,434,488, G>A on the plus strand (C>T on the coding strand, the complement: AGA is on the minus strand). VCF-style: chr4-177434488-G-A. GRCh37 (hg19) VCF-style: chr4-178355642-G-A.
Other names: c.677-7C>T (NM_001171988.2); short protein forms R234C.
Identifiers: ClinVar variation 2145280 (VCV002145280.4), dbSNP rs572348048, ClinGen allele CA3146824.